The following is an entry in ClinVar:

NM_001283009.2(RTEL1):c.2344C>T (p.Pro782Ser)

Genes: RTEL1 (regulator of telomere elongation helicase 1; plus strand), RTEL1-TNFRSF6B (RTEL1-TNFRSF6B readthrough (NMD candidate); plus strand). Cytogenetic location: 20q13.33.
Variant type: single nucleotide variant.
Coding change: c.2344C>T on transcript NM_001283009.2 (MANE Select); coding-DNA position 2344, C replaced by T.
Protein change: p.Pro782Ser; replaces proline 782 with serine.
Molecular consequence: missense variant. On other transcripts: non-coding transcript variant (1).
Genome position (GRCh38, 1-based): chr20:63,690,372, C>T. VCF-style: chr20-63690372-C-T. GRCh37 (hg19) VCF-style: chr20-62321725-C-T.
Other names: c.1675C>T, p.Pro559Ser (NM_001283010.1); c.2344C>T, p.Pro782Ser (NM_016434.4); c.2416C>T, p.Pro806Ser (NM_032957.5); short protein forms P806S, P559S, P782S.
Identifiers: ClinVar variation 4629628 (VCV004629628.1).

ClinVar aggregate classification (germline): Uncertain significance (1 of 4 stars; one submission).

Conditions:
Inborn genetic diseases. Identifiers: MedGen C0950123, MeSH D030342.

gnomAD v4.1: 3 of 1,611,772 alleles (0.00019%); highest among the groups gnomAD compares: South Asian, 0.0033%; no homozygotes.

Submission:

Ambry Genetics
Classification: Uncertain significance for Inborn genetic diseases. Last evaluated: 2025-11-28. Review status: criteria provided, single submitter. Criteria: Ambry Variant Classification Scheme 2023. Collection method: clinical testing. Allele origin: germline.
Comment: The p.P782S variant (also known as c.2344C>T), located in coding exon 25 of the RTEL1 gene, results from a C to T substitution at nucleotide position 2344. The proline at codon 782 is replaced by serine, an amino acid with similar properties. This amino acid position is conserved. In addition, this alteration is predicted to be tolerated by in silico analysis. Based on the available evidence, the clinical significance of this variant remains unclear.